The following is an entry in ClinVar:

NM_002161.6(IARS1):c.3410-3T>C

Gene: IARS1 (isoleucyl-tRNA synthetase 1; minus strand). Cytogenetic location: 9q22.31.
Variant type: single nucleotide variant.
Coding change: c.3410-3T>C on transcript NM_002161.6 (MANE Select); 3 bases into the intron before coding-DNA position 3410, T replaced by C.
Molecular consequence: intron variant. On other transcripts: missense variant (1).
Genome position (GRCh38, 1-based): chr9:92,223,492, A>G on the plus strand (T>C on the coding strand, the complement: IARS1 is on the minus strand). VCF-style: chr9-92223492-A-G. GRCh37 (hg19) VCF-style: chr9-94985774-A-G.
Other names: c.3428T>C, p.Leu1143Ser (NM_001378572.1); c.3410-3T>C (NM_001378573.1, NM_001378586.1, NM_001378574.1 and 3 more transcripts); c.3287-3T>C (NM_001378583.1); c.3326-3T>C (NM_001374301.1); c.3314-3T>C (NM_001378582.1); c.3335-63T>C (NM_001378584.1); c.3335-3T>C (NM_001374299.1, NM_001374300.1); c.3368-3T>C (NM_001378577.1); and 4 more; short protein forms L1143S.
Identifiers: ClinVar variation 3044753 (VCV003044753.2), dbSNP rs751540743, ClinGen allele CA5121859.

ClinVar aggregate classification (germline): Likely benign (0 of 4 stars; one submission).

Conditions:
IARS1-related disorder. Also called: IARS1-related condition.

Allele frequency attached by ClinVar (database versions not stated): gnomAD exomes below 0.00001; ExAC 0.00001; TOPMed 0.00002; gnomAD 0.00003.
gnomAD v4.1: 18 of 1,606,766 alleles (0.0011%); highest among the groups gnomAD compares: African/African-American, 0.004%; no homozygotes.

Submission:

PreventionGenetics, part of Exact Sciences
Classification: Likely benign for IARS1-related condition. Last evaluated: 2019-05-31. Review status: no assertion criteria provided. Collection method: clinical testing. Allele origin: germline.
Comment: This variant is classified as likely benign based on ACMG/AMP sequence variant interpretation guidelines (Richards et al. 2015 PMID: 25741868, with internal and published modifications).